The following is an entry in ClinVar:

NM_000038.6(APC):c.7642A>G (p.Lys2548Glu)

Gene: APC (APC regulator of Wnt signaling pathway; plus strand). Cytogenetic location: 5q22.2.
Variant type: single nucleotide variant.
Coding change: c.7642A>G on transcript NM_000038.6 (MANE Select); coding-DNA position 7642, A replaced by G.
Protein change: p.Lys2548Glu; replaces lysine 2548 with glutamic acid.
Molecular consequence: missense variant. On other transcripts: non-coding transcript variant (2).
Genome position (GRCh38, 1-based): chr5:112,843,236, A>G. VCF-style: chr5-112843236-A-G. GRCh37 (hg19) VCF-style: chr5-112178933-A-G.
Other names: c.7642A>G, p.Lys2548Glu (NM_001127510.3, NM_001354895.2, NM_001407450.1); c.7588A>G, p.Lys2530Glu (NM_001127511.3); c.7696A>G, p.Lys2566Glu (NM_001354896.2, NM_001407447.1, NM_001407448.1 and 1 more transcripts); c.7672A>G, p.Lys2558Glu (NM_001354897.2); c.7567A>G, p.Lys2523Glu (NM_001354898.2); c.7558A>G, p.Lys2520Glu (NM_001354899.2); c.7519A>G, p.Lys2507Glu (NM_001354900.2); c.7465A>G, p.Lys2489Glu (NM_001354901.2, NM_001407453.1); and 11 more; short protein forms K2265E, K2447E, K2523E, K2538E, K2388E, K2419E, K2422E, K2489E.
Identifiers: ClinVar variation 3305442 (VCV003305442.1).

ClinVar aggregate classification (germline): Uncertain significance (1 of 4 stars; one submission).

Conditions:
Hereditary cancer-predisposing syndrome. Also called: Tumor predisposition; Hereditary Cancer Syndrome; Hereditary neoplastic syndrome; Neoplastic Syndromes, Hereditary. Identifiers: Orphanet 140162, MedGen C0027672, MeSH D009386, MONDO:0015356.

Submission:

Ambry Genetics
Classification: Uncertain significance for Hereditary cancer-predisposing syndrome. Last evaluated: 2024-05-20. Review status: criteria provided, single submitter. Criteria: Ambry Variant Classification Scheme 2023. Collection method: clinical testing. Allele origin: germline.
Comment: The p.K2548E variant (also known as c.7642A>G), located in coding exon 15 of the APC gene, results from an A to G substitution at nucleotide position 7642. The lysine at codon 2548 is replaced by glutamic acid, an amino acid with similar properties. This amino acid position is conserved. In addition, in silico predictors for this gene do not accurately predict pathogenicity. Based on the available evidence, the clinical significance of this variant remains unclear.